The following is an entry in ClinVar:

ClinVar aggregate classification (germline): Conflicting classifications of pathogenicity. Review status: criteria provided, conflicting classifications (1 of 4 stars). 2 submissions from 2 submitters: Likely pathogenic (1); Uncertain significance (1). Last evaluated 2025-09-02.

Conditions:
Sulfite oxidase deficiency due to molybdenum cofactor deficiency type C. Also called: Molybdenum cofactor deficiency C; Molybdenum cofactor deficiency, complementation group C. Identifiers: Orphanet 308400, Orphanet 833, MedGen C1854990, MONDO:0014212, OMIM 615501.

Submissions (2):

Labcorp Genetics (formerly Invitae), Labcorp
Classification: Likely pathogenic for Sulfite oxidase deficiency due to molybdenum cofactor deficiency type C. Last evaluated: 2025-09-02. Review status: criteria provided, single submitter. Criteria: Invitae Variant Classification Sherloc (09022015). Collection method: clinical testing. Allele origin: germline.
Comment: This sequence change affects an acceptor splice site in intron 7 of the GPHN gene. It is expected to disrupt RNA splicing. Variants that disrupt the donor or acceptor splice site typically lead to a loss of protein function (PMID: 16199547), and loss-of-function variants in GPHN are known to be pathogenic (PMID: 11095995, 23184456, 23393157, 24561070, 26613940). This variant is not present in population databases (gnomAD no frequency). This variant has not been reported in the literature in individuals affected with GPHN-related conditions. ClinVar contains an entry for this variant (Variation ID: 623849). Algorithms developed to predict the effect of sequence changes on RNA splicing suggest that this variant may disrupt the consensus splice site. In summary, the currently available evidence indicates that the variant is pathogenic, but additional data are needed to prove that conclusively. Therefore, this variant has been classified as Likely Pathogenic.

CeGaT Center for Human Genetics Tuebingen
Classification: Uncertain significance. Last evaluated: 2018-08-01. Review status: criteria provided, single submitter. Criteria: CeGaT Center For Human Genetics Tuebingen Variant Classification Criteria Version 2. Collection method: clinical testing. Allele origin: germline. Affected: yes. Observed: 1 variant allele.

Literature cited by the submitters: PubMed 16199547 (cited by Labcorp Genetics (formerly Invitae), Labcorp); PubMed 11095995 (cited by Labcorp Genetics (formerly Invitae), Labcorp); PubMed 23184456 (cited by Labcorp Genetics (formerly Invitae), Labcorp); PubMed 23393157 (cited by Labcorp Genetics (formerly Invitae), Labcorp); PubMed 24561070 (cited by Labcorp Genetics (formerly Invitae), Labcorp); PubMed 26613940 (cited by Labcorp Genetics (formerly Invitae), Labcorp).

NM_020806.5(GPHN):c.730-1G>A

Gene: GPHN (gephyrin; plus strand). Cytogenetic location: 14q23.3.
Variant type: single nucleotide variant.
Coding change: c.730-1G>A on transcript NM_020806.5 (MANE Select); the canonical splice acceptor site of the intron before coding-DNA position 730, G replaced by A.
Molecular consequence: splice acceptor variant. On other transcripts: intron variant (7).
Genome position (GRCh38, 1-based): chr14:66,924,193, G>A. VCF-style: chr14-66924193-G-A. GRCh37 (hg19) VCF-style: chr14-67390910-G-A.
Other names: c.768+1255G>A (NM_001377514.1, NM_001377519.1); c.729+1255G>A (NM_001377515.1, NM_001377516.1, NM_001377518.1 and 2 more transcripts).
Identifiers: ClinVar variation 623849 (VCV000623849.49), dbSNP rs1567108397, ClinGen allele CA390256592.
Genomic context (GRCh38, chr14:66,924,193, plus strand): 5'-GCTTGTATAGTTTCATGTTTTCCTGTCACTATATTCATAGTTGTTATGTGTTGTGCATTA[G>A]AAGCATCCATTCTACACCAGTCCTGCTGTTGTCATGGCACACGGTGAACAGCCCATCCCT-3'